The following is an entry in ClinVar:

ClinVar aggregate classification (germline): Uncertain significance (1 of 4 stars; one submission).

Conditions:
Hereditary sensory and autonomic neuropathy with spastic paraplegia (HSNSP). Identifiers: Orphanet 139578, MedGen C1850395, MONDO:0009748, OMIM 256840.

gnomAD v4.1: 34 of 1,613,442 alleles (0.0021%); highest among the groups gnomAD compares: Non-Finnish European, 0.0029%; no homozygotes.

Submission:

Labcorp Genetics (formerly Invitae), Labcorp
Classification: Uncertain significance for Hereditary sensory and autonomic neuropathy with spastic paraplegia. Last evaluated: 2025-12-01. Review status: criteria provided, single submitter. Criteria: Invitae Variant Classification Sherloc (09022015). Collection method: clinical testing. Allele origin: germline.
Comment: This sequence change replaces glutamic acid, which is acidic and polar, with glycine, which is neutral and non-polar, at codon 287 of the CCT5 protein (p.Glu287Gly). This variant is present in population databases (no rsID available, gnomAD 0.002%). This variant has not been reported in the literature in individuals affected with CCT5-related conditions. Invitae Evidence Modeling of protein sequence and biophysical properties (such as structural, functional, and spatial information, amino acid conservation, physicochemical variation, residue mobility, and thermodynamic stability) indicates that this missense variant is not expected to disrupt CCT5 protein function with a negative predictive value of 80%. In summary, the available evidence is currently insufficient to determine the role of this variant in disease. Therefore, it has been classified as a Variant of Uncertain Significance.

NM_012073.5(CCT5):c.860A>G (p.Glu287Gly)

Gene: CCT5 (chaperonin containing TCP1 subunit 5; plus strand). Cytogenetic location: 5p15.2.
Variant type: single nucleotide variant.
Coding change: c.860A>G on transcript NM_012073.5 (MANE Select); coding-DNA position 860, A replaced by G.
Protein change: p.Glu287Gly; replaces glutamic acid 287 with glycine.
Molecular consequence: missense variant.
Genome position (GRCh38, 1-based): chr5:10,258,522, A>G. VCF-style: chr5-10258522-A-G. GRCh37 (hg19) VCF-style: chr5-10258634-A-G.
Other names: c.797A>G, p.Glu266Gly (NM_001306153.1); c.695A>G, p.Glu232Gly (NM_001306154.2); c.581A>G, p.Glu194Gly (NM_001306155.2); c.746A>G, p.Glu249Gly (NM_001306156.2); short protein forms E232G, E194G, E249G, E266G, E287G.
Identifiers: ClinVar variation 4719404 (VCV004719404.1).